The following is an entry in ClinVar:

NM_000092.5(COL4A4):c.482G>T (p.Gly161Val)

Gene: COL4A4 (collagen type IV alpha 4 chain; minus strand). Cytogenetic location: 2q36.3.
Variant type: single nucleotide variant.
Coding change: c.482G>T on transcript NM_000092.5 (MANE Select); coding-DNA position 482, G replaced by T.
Protein change: p.Gly161Val; replaces glycine 161 with valine.
Molecular consequence: missense variant.
Genome position (GRCh38, 1-based): chr2:227,118,652, C>A on the plus strand (G>T on the coding strand, the complement: COL4A4 is on the minus strand). VCF-style: chr2-227118652-C-A. GRCh37 (hg19) VCF-style: chr2-227983368-C-A.
Other names: short protein forms G161V.
Identifiers: ClinVar variation 447191 (VCV000447191.14), dbSNP rs745672795, ClinGen allele CA2145656.

ClinVar aggregate classification (germline): Likely pathogenic. Review status: criteria provided, multiple submitters, no conflicts (2 of 4 stars). 5 submissions from 5 submitters: Likely pathogenic (5). Last evaluated 2026-01-13.

Conditions:
Autosomal recessive Alport syndrome (ATS2). Also called: ALPORT SYNDROME 2, AUTOSOMAL RECESSIVE; COL4A3-Related Nephropathy; COL4A4 Alport Syndrome and Thin Basement Membrane Nephropathy; Alport syndrome type 2. Identifiers: Orphanet 63, Orphanet 88919, MedGen C4746745, MONDO:0008762, OMIM 203780.
Hematuria, benign familial, 1 (BFH1). Also called: THIN MEMBRANE NEPHROPATHY. Identifiers: MedGen CN376803, MONDO:0007709, OMIM 141200.
Alport syndrome. Also called: Hemorrhagic familial nephritis; Hemorrhagic hereditary nephritis; Congenital hereditary hematuria. Identifiers: Orphanet 63, MedGen C1567741, MONDO:0018965.

Allele frequency attached by ClinVar (database versions not stated): ExAC 0.00001.
gnomAD v4.1: 17 of 1,612,096 alleles (0.0011%); highest among the groups gnomAD compares: Admixed American, 0.005%; no homozygotes.

Submissions (5):

Labcorp Genetics (formerly Invitae), Labcorp
Classification: Likely pathogenic. Last evaluated: 2026-01-13. Review status: criteria provided, single submitter. Criteria: Invitae Variant Classification Sherloc (09022015). Collection method: clinical testing. Allele origin: germline.
Comment: This sequence change replaces glycine, which is neutral and non-polar, with valine, which is neutral and non-polar, at codon 161 of the COL4A4 protein (p.Gly161Val). This variant is present in population databases (rs745672795, gnomAD 0.006%). This variant has not been reported in the literature in individuals affected with COL4A4-related conditions. ClinVar contains an entry for this variant (Variation ID: 447191). Invitae Evidence Modeling of protein sequence and biophysical properties (such as structural, functional, and spatial information, amino acid conservation, physicochemical variation, residue mobility, and thermodynamic stability) indicates that this missense variant is expected to disrupt COL4A4 protein function with a positive predictive value of 95%. This variant disrupts the p.Gly161 amino acid residue in COL4A4. Other variant(s) that disrupt this residue have been determined to be pathogenic (PMID: 29854973). This suggests that this residue is clinically significant, and that variants that disrupt this residue are likely to be disease-causing. In summary, the currently available evidence indicates that the variant is pathogenic, but additional data are needed to prove that conclusively. Therefore, this variant has been classified as Likely Pathogenic.

Natera, Inc.
Classification: Likely pathogenic for Alport syndrome. Last evaluated: 2025-10-20. Review status: criteria provided, single submitter. Criteria: Natera Variant Classification Schema (03/2026). Collection method: clinical testing. Allele origin: germline.
Comment: The c.482G>T variant in COL4A4 is a missense variant predicted to cause substitution of glycine to valine at amino acid 161. The frequency of this variant in the general population is greater than expected for disorder. This variant is located in a functionally critical region of the protein. A different variant at the same position has been determined to be Pathogenic or Likely Pathogenic. Computational prediction algorithms indicate this variant is likely to affect gene or protein function. Given the available evidence, this variant is classified as Likely Pathogenic.

Fulgent Genetics
Classification: Likely pathogenic for Hematuria, benign familial, 1; Autosomal recessive Alport syndrome. Last evaluated: 2024-06-06. Review status: criteria provided, single submitter. Criteria: ACMG Guidelines, 2015. Collection method: clinical testing. Allele origin: germline.

Victorian Clinical Genetics Services, Murdoch Childrens Research Institute
Classification: Likely pathogenic for Autosomal recessive Alport syndrome. Last evaluated: 2023-07-16. Review status: criteria provided, single submitter. Criteria: ACMG Guidelines, 2015. Collection method: clinical testing. Allele origin: germline. Inheritance: Autosomal recessive inheritance. Affected: yes.
Comment: Based on the classification scheme VCGS_Germline_v1.3.4, this variant is classified as Likely pathogenic. Following criteria are met: 0103 - Loss of function is a known mechanism of disease for this gene and is associated with Alport syndrome. Dominant negative is a suspected mechanism of disease for this gene as it is a structural protein (PMID: 12028435, PMID: 24046192). (I) 0108 - This gene is associated with both recessive and dominant disease. Alport syndrome typically has biallelic inheritance, although rare cases of monoallelic inheritance have been reported (PMID: 28704582). Thin basement mebrane nephropathy (TBMN) and focal segmental glomerulosclerosis (FSGS) are associated with autosomal dominant inheritance (OMIM, PMID: 16467446, PMID: 17942953). (I) 0200 - Variant is predicted to result in a missense amino acid change from glycine to valine. (I) 0251 - This variant is heterozygous. (I) 0302 - Variant is present in gnomAD (v2) <0.001 (4 heterozygotes, 0 homozygotes). (SP) 0309 - An alternative amino acid change at the same position has been observed in gnomAD (v2, v3) (3 heterozygotes, 0 homozygotes). (I) 0501 - Missense variant consistently predicted to be damaging by multiple in silico tools or highly conserved with a major amino acid change. (SP) 0601 - Variant is located in the well-established functional glycine residue within a G-X-Y repeat (DECIPHER). (SP) 0703 - Another missense variant comparable to the one identified in this case has moderate previous evidence for pathogenicity. This alternative change (p.(Gly161Arg)) has been reported as likely pathogenic. It has been observed in at least three unrelated individuals with Alport syndrome, focal segmental glomerulosclerosis or chronic kidney disease (ClinVar, LOVD, PMID: 29854973, PMID: 33712733, PMID: 31308072), where one of these individuals also had a missense variant in the COL4A3 gene. It has also been observed in two individuals from a large cohort, who did not have haematuria (PMID: 34400539). (SP) 0808 - Previous reports of pathogenicity for this variant are conflicting. This variant has been reported as a VUS in a heterozygous individual with haematuria, and as likely pathogenic (ClinVar, LOVD, Invitae - personal communication). It has also been observed in two individuals from a large cohort, who did not have haematuria (PMID: 34400539). (I) 0905 - No published segregation evidence has been identified for this variant. (I) 1007 - No published functional evidence has been identified for this variant. (I) 1208 - Inheritance information for this variant is not currently available in this individual. (I) Legend: (SP) - Supporting pathogenic, (I) - Information, (SB) - Supporting benign

Athena Diagnostics
Classification: Likely pathogenic. Last evaluated: 2016-12-20. Review status: criteria provided, single submitter. Criteria: Athena Diagnostics Criteria. Collection method: clinical testing. Allele origin: germline.

Literature cited by the submitters: PubMed 29854973 (cited by Labcorp Genetics (formerly Invitae), Labcorp and Victorian Clinical Genetics Services, Murdoch Childrens Research Institute); PubMed 12028435 (cited by Victorian Clinical Genetics Services, Murdoch Childrens Research Institute); PubMed 16467446 (cited by Victorian Clinical Genetics Services, Murdoch Childrens Research Institute); PubMed 17942953 (cited by Victorian Clinical Genetics Services, Murdoch Childrens Research Institute); PubMed 24046192 (cited by Victorian Clinical Genetics Services, Murdoch Childrens Research Institute); PubMed 28704582 (cited by Victorian Clinical Genetics Services, Murdoch Childrens Research Institute); PubMed 31308072 (cited by Victorian Clinical Genetics Services, Murdoch Childrens Research Institute); PubMed 33712733 (cited by Victorian Clinical Genetics Services, Murdoch Childrens Research Institute); PubMed 34400539 (cited by Victorian Clinical Genetics Services, Murdoch Childrens Research Institute).